The following is an entry in ClinVar:

NM_001999.4(FBN2):c.7886A>G (p.Gln2629Arg)

Gene: FBN2 (fibrillin 2; minus strand). Cytogenetic location: 5q23.3.
Variant type: single nucleotide variant.
Coding change: c.7886A>G on transcript NM_001999.4 (MANE Select); coding-DNA position 7886, A replaced by G.
Protein change: p.Gln2629Arg; replaces glutamine 2629 with arginine.
Molecular consequence: missense variant.
Genome position (GRCh38, 1-based): chr5:128,272,073, T>C on the plus strand (A>G on the coding strand, the complement: FBN2 is on the minus strand). VCF-style: chr5-128272073-T-C. GRCh37 (hg19) VCF-style: chr5-127607765-T-C.
Other names: short protein forms Q2629R.
Identifiers: ClinVar variation 213365 (VCV000213365.17), dbSNP rs768750542, ClinGen allele CA324578.

ClinVar aggregate classification (germline): Conflicting classifications of pathogenicity. Review status: criteria provided, conflicting classifications (1 of 4 stars). 4 submissions from 4 submitters: Uncertain significance (3); Likely benign (1). Last evaluated 2025-12-14.

Conditions:
Familial thoracic aortic aneurysm and aortic dissection (TAAD). Also called: Thoracic aortic aneurysms and dissections. Identifiers: Orphanet 91387, MedGen C4707243, MONDO:0019625.
Congenital contractural arachnodactyly (CCA). Also called: Beals-Hecht syndrome; BEALS SYNDROME; Arthrogryposis, distal, type 9. Identifiers: Orphanet 115, MedGen C0220668, MONDO:0007363, OMIM 121050.

Allele frequency attached by ClinVar (database versions not stated): gnomAD 0.00001; gnomAD exomes 0.00002 and 0.00003; ExAC 0.00003; TOPMed 0.00003.
gnomAD v4.1: 25 of 1,614,010 alleles (0.0015%); highest among the groups gnomAD compares: Non-Finnish European, 0.0019%; no homozygotes.

Submissions (4):

Labcorp Genetics (formerly Invitae), Labcorp
Classification: Likely benign for Congenital contractural arachnodactyly. Last evaluated: 2025-12-14. Review status: criteria provided, single submitter. Criteria: Invitae Variant Classification Sherloc (09022015). Collection method: clinical testing. Allele origin: germline.

Ambry Genetics
Classification: Uncertain significance for Familial thoracic aortic aneurysm and aortic dissection. Last evaluated: 2023-11-22. Review status: criteria provided, single submitter. Criteria: Ambry Variant Classification Scheme 2023. Collection method: clinical testing. Allele origin: germline.
Comment: The p.Q2629R variant (also known as c.7886A>G), located in coding exon 62 of the FBN2 gene, results from an A to G substitution at nucleotide position 7886. The glutamine at codon 2629 is replaced by arginine, an amino acid with highly similar properties. This amino acid position is highly conserved in available vertebrate species. In addition, the in silico prediction for this alteration is inconclusive. Since supporting evidence is limited at this time, the clinical significance of this alteration remains unclear.

GeneDx
Classification: Uncertain significance. Last evaluated: 2022-09-21. Review status: criteria provided, single submitter. Criteria: GeneDx Variant Classification Process June 2021. Collection method: clinical testing. Allele origin: germline. Affected: yes.
Comment: Has not been previously published as pathogenic or benign to our knowledge; In silico analysis supports that this missense variant has a deleterious effect on protein structure/function; Although located in a calcium-binding EGF-like domain of the FBN2 gene, it does not substitute or introduce a cysteine residue (Callewaert et al., 2009; Frederic et al., 2009); Not located within exons 24-33, where the majority of pathogenic variants reported to date occur (Callewaert et al., 2009, Frederic et al., 2009)

CeGaT Center for Human Genetics Tuebingen
Classification: Uncertain significance. Last evaluated: 2016-10-31. Review status: criteria provided, single submitter. Criteria: Praxis fuer Humangenetik Tuebingen - Variant Classification Criteria. Collection method: clinical testing. Allele origin: germline. Affected: yes. Observed: 1 variant allele.